The following is an entry in ClinVar:

ClinVar aggregate classification (germline): Uncertain significance. Review status: criteria provided, single submitter (1 of 4 stars). 2 submissions from 2 submitters: Uncertain significance (1). 1 of the submissions does not count toward it. Last evaluated 2025-08-18.

Conditions:
Hereditary breast ovarian cancer syndrome. Also called: Hereditary breast and ovarian cancer syndrome; Hereditary breast and ovarian cancer; Hereditary breast and ovarian cancer syndrome (HBOC); Breast and ovarian cancer; Hereditary breast and/or ovarian cancer syndrome; BRCA1- and BRCA2-Associated Hereditary Breast and Ovarian Cancer. Identifiers: Orphanet 145, MedGen C0677776, MeSH D061325, MONDO:0003582. Disease mechanism: loss of function.
Familial cancer of breast. Also called: BREAST CANCER, FAMILIAL; Hereditary breast cancer; hereditary breast carcinoma. Identifiers: Orphanet 227535, MedGen C0346153, MONDO:0016419, OMIM 114480. Disease mechanism: loss of function.

Allele frequency attached by ClinVar (database versions not stated): gnomAD exomes below 0.00001.
gnomAD v4.1: 1 of 1,590,398 alleles (0.000063%); highest among the groups gnomAD compares: Non-Finnish European, 0.000086%; no homozygotes.

Submissions (2):

Labcorp Genetics (formerly Invitae), Labcorp
Classification: Uncertain significance for Hereditary breast ovarian cancer syndrome. Last evaluated: 2025-08-18. Review status: criteria provided, single submitter. Criteria: Invitae Variant Classification Sherloc (09022015). Collection method: clinical testing. Allele origin: germline.
Comment: This variant occurs in a non-coding region of the BRCA2 gene. It does not change the encoded amino acid sequence of the BRCA2 protein. This variant is not present in population databases (gnomAD no frequency). This variant has not been reported in the literature in individuals affected with BRCA2-related conditions. ClinVar contains an entry for this variant (Variation ID: 51034). Experimental studies and prediction algorithms are not available or were not evaluated, and the functional significance of this variant is currently unknown. In summary, the available evidence is currently insufficient to determine the role of this variant in disease. Therefore, it has been classified as a Variant of Uncertain Significance.

ClinVar Staff, National Center for Biotechnology Information (NCBI)
No classification provided. Condition: Familial cancer of breast. Review status: no classification provided. Collection method: literature only. Allele origin: germline. Affected: yes. Not counted in ClinVar's aggregate classification.

Literature cited by the submitters: PubMed 10923033 (cited by ClinVar Staff, National Center for Biotechnology Information (NCBI)).

NM_000059.4(BRCA2):c.-33T>C

Gene: BRCA2 (BRCA2 DNA repair associated; plus strand). Cytogenetic location: 13q13.1.
Variant type: single nucleotide variant.
Coding change: c.-33T>C on transcript NM_000059.4 (MANE Select); 33 bases upstream of the start codon, T replaced by C.
Molecular consequence: 5 prime UTR variant.
Genome position (GRCh38, 1-based): chr13:32,316,428, T>C. VCF-style: chr13-32316428-T-C. GRCh37 (hg19) VCF-style: chr13-32890565-T-C.
Identifiers: ClinVar variation 51034 (VCV000051034.8), dbSNP rs397507566, ClinGen allele CA017941.